The following is an entry in ClinVar:

ClinVar aggregate classification (germline): Uncertain significance (1 of 4 stars; one submission).

Submission:

GeneDx
Classification: Uncertain significance. Last evaluated: 2026-02-24. Review status: criteria provided, single submitter. Criteria: GeneDx Variant Classification Process June 2021. Collection method: clinical testing. Allele origin: germline.
Comment: Not observed at significant frequency in large population cohorts (gnomAD); Canonical splice site variant with an unclear effect on protein function; Has not been previously published as pathogenic or benign to our knowledge

NM_152296.5(ATP1A3):c.1303-2A>T

Gene: ATP1A3 (ATPase Na+/K+ transporting subunit alpha 3; minus strand). Cytogenetic location: 19q13.2.
Variant type: single nucleotide variant.
Coding change: c.1303-2A>T on transcript NM_152296.5 (MANE Select); the canonical splice acceptor site of the intron before coding-DNA position 1303, A replaced by T.
Molecular consequence: splice acceptor variant.
Genome position (GRCh38, 1-based): chr19:41,981,638, T>A on the plus strand (A>T on the coding strand, the complement: ATP1A3 is on the minus strand). VCF-style: chr19-41981638-T-A. GRCh37 (hg19) VCF-style: chr19-42485790-T-A.
Other names: c.1342-2A>T (NM_001256214.2); c.1336-2A>T (NM_001256213.2).
Identifiers: ClinVar variation 5009821 (VCV005009821.1).
Genomic context (GRCh38, chr19:41,981,638, plus strand): 5'-GAGGACAGCTCGATGCACTTGAGCAGGGCAGACTCAGACGCATCCCCAGCCACATCCCTC[T>A]GCAAGGAGAAAGGGTTGTCAGAACAGGGACAGCTGAGGGGAGGACACAGGCAGGGCCGAG-3'